The following is an entry in ClinVar:

NM_004859.4(CLTC):c.713C>T (p.Thr238Ile)

Gene: CLTC (clathrin heavy chain; plus strand). Cytogenetic location: 17q23.1.
Variant type: single nucleotide variant.
Coding change: c.713C>T on transcript NM_004859.4 (MANE Select); coding-DNA position 713, C replaced by T.
Protein change: p.Thr238Ile; replaces threonine 238 with isoleucine.
Molecular consequence: missense variant.
Genome position (GRCh38, 1-based): chr17:59,651,234, C>T. VCF-style: chr17-59651234-C-T. GRCh37 (hg19) VCF-style: chr17-57728595-C-T.
Other names: c.713C>T (NM_004859.3); c.725C>T, p.Thr242Ile (NM_001288653.2); short protein forms T242I, T238I.
Identifiers: ClinVar variation 3674561 (VCV003674561.3).
Genomic context (GRCh38, chr17:59,651,234, plus strand): 5'-TATATACATTTTGATTTTCTTTTGAACAGTTACATATTATTGAAGTTGGCACACCACCTA[C>T]AGGGAACCAGCCCTTTCCAAAGAAGGCAGTGGATGTCTTCTTTCCTCCAGAAGCACAAAA-3'
Protein context (NP_004850.1, residues 228-248): LHIIEVGTPP[Thr238Ile]GNQPFPKKAV

ClinVar aggregate classification (germline): Uncertain significance. Review status: criteria provided, multiple submitters, no conflicts (2 of 4 stars). 2 submissions from 2 submitters: Uncertain significance (2). Last evaluated 2024-12-12.

Conditions:
Inborn genetic diseases. Identifiers: MedGen C0950123, MeSH D030342.

Submissions (2):

Ambry Genetics
Classification: Uncertain significance for Inborn genetic diseases. Last evaluated: 2024-12-12. Review status: criteria provided, single submitter. Criteria: Ambry Variant Classification Scheme 2023. Collection method: clinical testing. Allele origin: germline.

Labcorp Genetics (formerly Invitae), Labcorp
Classification: Uncertain significance. Last evaluated: 2024-07-06. Review status: criteria provided, single submitter. Criteria: Invitae Variant Classification Sherloc (09022015). Collection method: clinical testing. Allele origin: germline.
Comment: This sequence change replaces threonine, which is neutral and polar, with isoleucine, which is neutral and non-polar, at codon 242 of the CLTC protein (p.Thr242Ile). This variant is not present in population databases (gnomAD no frequency). This variant has not been reported in the literature in individuals affected with CLTC-related conditions. Advanced modeling of protein sequence and biophysical properties (such as structural, functional, and spatial information, amino acid conservation, physicochemical variation, residue mobility, and thermodynamic stability) has been performed at Invitae for this missense variant, however the output from this modeling did not meet the statistical confidence thresholds required to predict the impact of this variant on CLTC protein function. In summary, the available evidence is currently insufficient to determine the role of this variant in disease. Therefore, it has been classified as a Variant of Uncertain Significance.